The following is an entry in ClinVar:

NM_000282.4(PCCA):c.2041-1G>T

Gene: PCCA (propionyl-CoA carboxylase subunit alpha; plus strand). Cytogenetic location: 13q32.3.
Variant type: single nucleotide variant.
Coding change: c.2041-1G>T on transcript NM_000282.4 (MANE Select); the canonical splice acceptor site of the intron before coding-DNA position 2041, G replaced by T.
Molecular consequence: splice acceptor variant.
Genome position (GRCh38, 1-based): chr13:100,527,674, G>T. VCF-style: chr13-100527674-G-T. GRCh37 (hg19) VCF-style: chr13-101179928-G-T.
Other names: c.1900-1G>T (NM_001178004.2); c.1987-1G>T (NM_001352605.2); c.1897-1G>T (NM_001352606.2); c.1096-1G>T (NM_001352610.2); c.1042-1G>T (NM_001352611.2); c.952-1G>T (NM_001352612.2); c.1963-1G>T (NM_001127692.3); c.1822-1G>T (NM_001352607.2); and 1 more.
Identifiers: ClinVar variation 648058 (VCV000648058.10), dbSNP rs1367867218, ClinGen allele CA388640570.

ClinVar aggregate classification (germline): Pathogenic/Likely pathogenic. Review status: criteria provided, multiple submitters, no conflicts (2 of 4 stars). 4 submissions from 4 submitters: Pathogenic (1); Likely pathogenic (3). Last evaluated 2025-11-17.

Conditions:
Propionic acidemia (PROP). Also called: GLYCINEMIA, KETOTIC; HYPERGLYCINEMIA WITH KETOACIDOSIS AND LEUKOPENIA; KETOTIC HYPERGLYCINEMIA. Identifiers: Orphanet 35, MedGen C0268579, MONDO:0011628, OMIM 606054, HP:0003571.

Allele frequency attached by ClinVar (database versions not stated): gnomAD exomes below 0.00001.
gnomAD v4.1: 1 of 1,611,836 alleles (0.000062%); highest among the groups gnomAD compares: Admixed American, 0.0017%; no homozygotes.

Submissions (4):

Labcorp Genetics (formerly Invitae), Labcorp
Classification: Pathogenic for Propionic acidemia. Last evaluated: 2025-11-17. Review status: criteria provided, single submitter. Criteria: Invitae Variant Classification Sherloc (09022015). Collection method: clinical testing. Allele origin: germline.
Comment: This sequence change affects an acceptor splice site in intron 22 of the PCCA gene. It is expected to disrupt RNA splicing. Variants that disrupt the donor or acceptor splice site typically lead to a loss of protein function (PMID: 16199547), and loss-of-function variants in PCCA are known to be pathogenic (PMID: 15464417). This variant is present in population databases (no rsID available, gnomAD 0.003%). Disruption of this splice site has been observed in individual(s) with propionic acidemia (PMID: 12559849, 15235904). ClinVar contains an entry for this variant (Variation ID: 648058). Algorithms developed to predict the effect of sequence changes on RNA splicing suggest that this variant may disrupt the consensus splice site. For these reasons, this variant has been classified as Pathogenic.

Natera, Inc.
Classification: Likely pathogenic for Propionic acidemia. Last evaluated: 2025-07-07. Review status: criteria provided, single submitter. Criteria: Natera Variant Classification Schema (03/2026). Collection method: clinical testing. Allele origin: germline.
Comment: The c.2041-1G>T variant in PCCA is a canonical splice acceptor site variant predicted to affect pre-mRNA splicing, which may result in an abnormal transcript and altered protein product. This variant may result in a truncated or dysfunctional protein product. This variant is rare in the general population with a frequency below the threshold expected for the associated phenotype(s). This variant has been observed in one or more individuals affected with the associated recessive disease, as either homozygous or compound heterozygous with a second variant (PMID: 34734058). Given the available evidence, this variant is classified as Likely Pathogenic.

Fulgent Genetics
Classification: Likely pathogenic for Propionic acidemia. Last evaluated: 2024-02-26. Review status: criteria provided, single submitter. Criteria: ACMG Guidelines, 2015. Collection method: clinical testing. Allele origin: germline.

Baylor Genetics
Classification: Likely pathogenic for Propionic acidemia. Last evaluated: 2019-06-28. Review status: criteria provided, single submitter. Criteria: ACMG Guidelines, 2015. Collection method: clinical testing. Allele origin: unknown. Affected: yes.
Comment: This variant was determined to be likely pathogenic according to ACMG Guidelines, 2015 [PMID:25741868].

Literature cited by the submitters: PubMed 16199547 (cited by Labcorp Genetics (formerly Invitae), Labcorp); PubMed 15464417 (cited by Labcorp Genetics (formerly Invitae), Labcorp); PubMed 12559849 (cited by Labcorp Genetics (formerly Invitae), Labcorp); PubMed 15235904 (cited by Labcorp Genetics (formerly Invitae), Labcorp); PubMed 34734058 (cited by Natera, Inc.).